The following is an entry in ClinVar:

ClinVar aggregate classification (germline): Uncertain significance. Review status: criteria provided, multiple submitters, no conflicts (2 of 4 stars). 2 submissions from 2 submitters: Uncertain significance (2). Last evaluated 2024-12-16.

Conditions:
Multiple congenital anomalies-hypotonia-seizures syndrome 1 (MCAHS1). Also called: GLYCOSYLPHOSPHATIDYLINOSITOL BIOSYNTHESIS DEFECT 3; PIGN-CDG; Congenital disorder of glycosylation due to PIGN deficiency. Identifiers: Orphanet 280633, MedGen C3279775, MONDO:0013563, OMIM 614080.

Allele frequency attached by ClinVar (database versions not stated): gnomAD 0.00002; TOPMed 0.00003; ExAC 0.00016.
gnomAD v4.1: 36 of 1,464,496 alleles (0.0025%); highest among the groups gnomAD compares: South Asian, 0.026%; no homozygotes.

Submissions (2):

Labcorp Genetics (formerly Invitae), Labcorp
Classification: Uncertain significance for Multiple congenital anomalies-hypotonia-seizures syndrome 1. Last evaluated: 2024-12-16. Review status: criteria provided, single submitter. Criteria: Invitae Variant Classification Sherloc (09022015). Collection method: clinical testing. Allele origin: germline.
Comment: This sequence change falls in intron 26 of the PIGN gene. It does not directly change the encoded amino acid sequence of the PIGN protein. This variant is present in population databases (rs532879051, gnomAD 0.04%). This variant has not been reported in the literature in individuals affected with PIGN-related conditions. ClinVar contains an entry for this variant (Variation ID: 2038246). Algorithms developed to predict the effect of sequence changes on RNA splicing suggest that this variant may disrupt the consensus splice site. In summary, the available evidence is currently insufficient to determine the role of this variant in disease. Therefore, it has been classified as a Variant of Uncertain Significance.

Blueprint Genetics
Classification: Uncertain significance. Last evaluated: 2024-03-08. Review status: criteria provided, single submitter. Criteria: ACMG Guidelines, 2015. Collection method: clinical testing. Allele origin: germline.

NM_176787.5(PIGN):c.2427-16T>G

Gene: PIGN (phosphatidylinositol glycan anchor biosynthesis class N; minus strand). Cytogenetic location: 18q21.33.
Variant type: single nucleotide variant.
Coding change: c.2427-16T>G on transcript NM_176787.5 (MANE Select); 16 bases into the intron before coding-DNA position 2427, T replaced by G.
Molecular consequence: intron variant.
Genome position (GRCh38, 1-based): chr18:62,084,622, A>C on the plus strand (T>G on the coding strand, the complement: PIGN is on the minus strand). VCF-style: chr18-62084622-A-C. GRCh37 (hg19) VCF-style: chr18-59751855-A-C.
Other names: c.2427-16T>G (NM_012327.6).
Identifiers: ClinVar variation 2038246 (VCV002038246.4), dbSNP rs532879051, ClinGen allele CA8981981.